The following is an entry in ClinVar:

NM_001384732.1(CPLANE1):c.9274T>C (p.Ser3092Pro)

Gene: CPLANE1 (ciliogenesis and planar polarity effector complex subunit 1; minus strand). Cytogenetic location: 5p13.2.
Variant type: single nucleotide variant.
Coding change: c.9274T>C on transcript NM_001384732.1 (MANE Select); coding-DNA position 9274, T replaced by C.
Protein change: p.Ser3092Pro; replaces serine 3092 with proline.
Molecular consequence: missense variant.
Genome position (GRCh38, 1-based): chr5:37,120,252, A>G on the plus strand (T>C on the coding strand, the complement: CPLANE1 is on the minus strand). VCF-style: chr5-37120252-A-G. GRCh37 (hg19) VCF-style: chr5-37120354-A-G.
Other names: c.9112T>C, p.Ser3038Pro (NM_023073.4); short protein forms S3038P, S3092P.
Identifiers: ClinVar variation 1384095 (VCV001384095.6), dbSNP rs2150066125, ClinGen allele CA359493690.

ClinVar aggregate classification (germline): Uncertain significance (1 of 4 stars; one submission).

gnomAD v4.1: 1 of 1,604,126 alleles (0.000062%); highest among the groups gnomAD compares: Middle Eastern, 0.017%; no homozygotes.

Submission:

Labcorp Genetics (formerly Invitae), Labcorp
Classification: Uncertain significance. Last evaluated: 2022-08-15. Review status: criteria provided, single submitter. Criteria: Invitae Variant Classification Sherloc (09022015). Collection method: clinical testing. Allele origin: germline.
Comment: ClinVar contains an entry for this variant (Variation ID: 1384095). Advanced modeling of protein sequence and biophysical properties (such as structural, functional, and spatial information, amino acid conservation, physicochemical variation, residue mobility, and thermodynamic stability) performed at Invitae indicates that this missense variant is not expected to disrupt CPLANE1 protein function. In summary, the available evidence is currently insufficient to determine the role of this variant in disease. Therefore, it has been classified as a Variant of Uncertain Significance. This sequence change replaces serine, which is neutral and polar, with proline, which is neutral and non-polar, at codon 3038 of the CPLANE1 protein (p.Ser3038Pro). This variant is not present in population databases (gnomAD no frequency). This variant has not been reported in the literature in individuals affected with CPLANE1-related conditions.